The following is an entry in ClinVar:

ClinVar aggregate classification (germline): Uncertain significance. Review status: criteria provided, multiple submitters, no conflicts (2 of 4 stars). 2 submissions from 2 submitters: Uncertain significance (2). Last evaluated 2023-01-03.

Conditions:
Emery-Dreifuss muscular dystrophy 4, autosomal dominant (EDMD4). Also called: EMERY-DREIFUSS MUSCULAR DYSTROPHY 4 WITH VARIABLE FEATURES. Identifiers: Orphanet 261, MedGen C2751807, MONDO:0013071, OMIM 612998.
Autosomal recessive ataxia, Beauce type. Also called: Spinocerebellar ataxia, autosomal recessive 8; ATAXIA, RECESSIVE, OF BEAUCE; SYNE1 Deficiency; SYNE1-Related Autosomal Recessive Cerebellar Ataxia. Identifiers: Orphanet 88644, MedGen C1853116, MONDO:0012549, OMIM 610743.

gnomAD v4.1: 2 of 1,614,152 alleles (0.00012%); highest among the groups gnomAD compares: Non-Finnish European, 0.00017%; no homozygotes.

Submissions (2):

Revvity Omics, Revvity
Classification: Uncertain significance. Last evaluated: 2023-01-03. Review status: criteria provided, single submitter. Criteria: ACMG Guidelines, 2015. Collection method: clinical testing. Allele origin: germline.

Labcorp Genetics (formerly Invitae), Labcorp
Classification: Uncertain significance for Emery-Dreifuss muscular dystrophy 4, autosomal dominant; Autosomal recessive ataxia, Beauce type. Last evaluated: 2022-08-12. Review status: criteria provided, single submitter. Criteria: Invitae Variant Classification Sherloc (09022015). Collection method: clinical testing. Allele origin: germline.
Comment: This variant has not been reported in the literature in individuals affected with SYNE1-related conditions. In summary, the available evidence is currently insufficient to determine the role of this variant in disease. Therefore, it has been classified as a Variant of Uncertain Significance. Algorithms developed to predict the effect of sequence changes on RNA splicing suggest that this variant may create or strengthen a splice site. Algorithms developed to predict the effect of missense changes on protein structure and function (SIFT, PolyPhen-2, Align-GVGD) all suggest that this variant is likely to be disruptive. ClinVar contains an entry for this variant (Variation ID: 1423889). This variant is not present in population databases (gnomAD no frequency). This sequence change replaces aspartic acid, which is acidic and polar, with glycine, which is neutral and non-polar, at codon 7534 of the SYNE1 protein (p.Asp7534Gly).

NM_182961.4(SYNE1):c.22814A>G (p.Asp7605Gly)

Gene: SYNE1 (spectrin repeat containing nuclear envelope protein 1; minus strand). Cytogenetic location: 6q25.2.
Variant type: single nucleotide variant.
Coding change: c.22814A>G on transcript NM_182961.4 (MANE Select); coding-DNA position 22814, A replaced by G.
Protein change: p.Asp7605Gly; replaces aspartic acid 7605 with glycine.
Molecular consequence: missense variant.
Genome position (GRCh38, 1-based): chr6:152,207,982, T>C on the plus strand (A>G on the coding strand, the complement: SYNE1 is on the minus strand). VCF-style: chr6-152207982-T-C. GRCh37 (hg19) VCF-style: chr6-152529117-T-C.
Other names: c.22601A>G (NM_033071.3); c.22601A>G, p.Asp7534Gly (NM_033071.5); short protein forms D7534G, D7605G.
Identifiers: ClinVar variation 1423889 (VCV001423889.10), dbSNP rs2153408610, ClinGen allele CA366095513.
Genomic context (GRCh38, chr6:152,207,982, plus strand): 5'-TGCGGTGGAAATGCCTAAGAGGTGTGAGAACACTGTGTTTTGCATCTTACCTGCACTTCA[T>C]CAAAGAGGGTCCTTGCTTGTTGCAGTGGTATAGGAACACTTCCGAGACCACTCATGGGGA-3'
Protein context (NP_892006.3, residues 7595-7615): IPLQQARTLF[Asp7605Gly]EVQFKEKVFL